The following is an entry in ClinVar:

ClinVar aggregate classification (germline): Conflicting classifications of pathogenicity. Review status: criteria provided, conflicting classifications (1 of 4 stars). 4 submissions from 4 submitters: Uncertain significance (2); Likely benign (2). Last evaluated 2025-12-10.

Conditions:
Inborn genetic diseases. Identifiers: MedGen C0950123, MeSH D030342.

Allele frequency attached by ClinVar (database versions not stated): ExAC 0.00033; gnomAD exomes 0.00036 and 0.00077; gnomAD 0.00051 and 0.00053; TOPMed 0.00054; ESP Exome Variant Server 0.00092.

Submissions (4):

Women's Health and Genetics/Laboratory Corporation of America, LabCorp
Classification: Uncertain significance. Last evaluated: 2025-12-10. Review status: criteria provided, single submitter. Criteria: LabCorp Variant Classification Summary - May 2015. Collection method: clinical testing. Allele origin: germline.
Comment: Variant summary: SRCAP c.8531G>C (p.Gly2844Ala) results in a non-conservative amino acid change in the encoded protein sequence. Algorithms developed to predict the effect of missense changes on protein structure and function are either unavailable or do not agree on the potential impact of this missense change. The variant allele was found at a frequency of 0.00036 in 245950 control chromosomes, predominantly at a frequency of 0.00062 within the Non-Finnish European subpopulation in the gnomAD database. This frequency is not significantly higher than estimated for disease-causing variants in SRCAP, allowing no conclusion about variant significance. To our knowledge, no occurrence of c.8531G>C in individuals affected with SRCAP-related conditions and no experimental evidence demonstrating its impact on protein function have been reported. ClinVar contains an entry for this variant (Variation ID: 289502). Based on the evidence outlined above, the variant was classified as uncertain significance.

Labcorp Genetics (formerly Invitae), Labcorp
Classification: Uncertain significance. Last evaluated: 2025-12-03. Review status: criteria provided, single submitter. Criteria: Invitae Variant Classification Sherloc (09022015). Collection method: clinical testing. Allele origin: germline.
Comment: This sequence change replaces glycine, which is neutral and non-polar, with alanine, which is neutral and non-polar, at codon 2844 of the SRCAP protein (p.Gly2844Ala). This variant is present in population databases (rs143277114, gnomAD 0.06%), and has an allele count higher than expected for a pathogenic variant. This variant has not been reported in the literature in individuals affected with SRCAP-related conditions. ClinVar contains an entry for this variant (Variation ID: 289502). Invitae Evidence Modeling of protein sequence and biophysical properties (such as structural, functional, and spatial information, amino acid conservation, physicochemical variation, residue mobility, and thermodynamic stability) indicates that this missense variant is not expected to disrupt SRCAP protein function with a negative predictive value of 80%. In summary, the available evidence is currently insufficient to determine the role of this variant in disease. Therefore, it has been classified as a Variant of Uncertain Significance.

Ambry Genetics
Classification: Likely benign for Inborn genetic diseases. Last evaluated: 2021-10-12. Review status: criteria provided, single submitter. Criteria: Ambry Variant Classification Scheme 2023. Collection method: clinical testing. Allele origin: germline.

Eurofins Ntd Llc (ga)
Classification: Likely benign. Last evaluated: 2016-08-25. Review status: criteria provided, single submitter. Criteria: EGL Classification Definitions 2015. Collection method: clinical testing. Allele origin: germline. Observed: 1 variant allele, 1 heterozygote.

NM_006662.3(SRCAP):c.8531G>C (p.Gly2844Ala)

Gene: SRCAP (Snf2 related CREBBP activator protein; plus strand). Cytogenetic location: 16p11.2.
Variant type: single nucleotide variant.
Coding change: c.8531G>C on transcript NM_006662.3 (MANE Select); coding-DNA position 8531, G replaced by C.
Protein change: p.Gly2844Ala; replaces glycine 2844 with alanine.
Molecular consequence: missense variant.
Genome position (GRCh38, 1-based): chr16:30,738,571, G>C. VCF-style: chr16-30738571-G-C. GRCh37 (hg19) VCF-style: chr16-30749892-G-C.
Other names: c.8531G>C (NM_006662.2); short protein forms G2844A.
Identifiers: ClinVar variation 289502 (VCV000289502.12), dbSNP rs143277114, ClinGen allele CA8012723.